The following is an entry in ClinVar:

NM_001378778.1(MPDZ):c.260C>T (p.Thr87Ile)

Gene: MPDZ (multiple PDZ domain crumbs cell polarity complex component; minus strand). Cytogenetic location: 9p23.
Variant type: single nucleotide variant.
Coding change: c.260C>T on transcript NM_001378778.1 (MANE Select); coding-DNA position 260, C replaced by T.
Protein change: p.Thr87Ile; replaces threonine 87 with isoleucine.
Molecular consequence: missense variant.
Genome position (GRCh38, 1-based): chr9:13,224,507, G>A on the plus strand (C>T on the coding strand, the complement: MPDZ is on the minus strand). VCF-style: chr9-13224507-G-A. GRCh37 (hg19) VCF-style: chr9-13224506-G-A.
Other names: c.260C>T, p.Thr87Ile (NM_001261406.2, NM_001261407.2, NM_001330637.2 and 14 more transcripts); short protein forms T87I.
Identifiers: ClinVar variation 2115260 (VCV002115260.4), dbSNP rs545133120, ClinGen allele CA372948249.

ClinVar aggregate classification (germline): Uncertain significance (1 of 4 stars; one submission).

Submission:

Labcorp Genetics (formerly Invitae), Labcorp
Classification: Uncertain significance. Last evaluated: 2023-10-02. Review status: criteria provided, single submitter. Criteria: Invitae Variant Classification Sherloc (09022015). Collection method: clinical testing. Allele origin: germline.
Comment: This sequence change replaces threonine, which is neutral and polar, with isoleucine, which is neutral and non-polar, at codon 87 of the MPDZ protein (p.Thr87Ile). This variant is present in population databases (no rsID available, gnomAD 0.0009%). This variant has not been reported in the literature in individuals affected with MPDZ-related conditions. ClinVar contains an entry for this variant (Variation ID: 2115260). An algorithm developed to predict the effect of missense changes on protein structure and function (PolyPhen-2) suggests that this variant is likely to be tolerated. In summary, the available evidence is currently insufficient to determine the role of this variant in disease. Therefore, it has been classified as a Variant of Uncertain Significance.